The following is an entry in ClinVar:

ClinVar aggregate classification (germline): Uncertain significance (1 of 4 stars; one submission).

Conditions:
Ehlers-Danlos syndrome, kyphoscoliotic type 1 (EDSKSCL1). Also called: EHLERS-DANLOS SYNDROME, OCULAR-SCOLIOTIC TYPE; Ehlers-Danlos syndrome, hydroxylysine-deficient; EHLERS-DANLOS SYNDROME, TYPE VIA; PLOD1-Related Kyphoscoliotic Ehlers-Danlos Syndrome. Identifiers: Orphanet 1900, MedGen C0268342, MONDO:0016002, OMIM 225400. Disease mechanism: loss of function.

Submission:

Labcorp Genetics (formerly Invitae), Labcorp
Classification: Uncertain significance for Ehlers-Danlos syndrome, kyphoscoliotic type 1. Last evaluated: 2021-03-26. Review status: criteria provided, single submitter. Criteria: Invitae Variant Classification Sherloc (09022015). Collection method: clinical testing. Allele origin: germline.
Comment: In summary, the available evidence is currently insufficient to determine the role of this variant in disease. Therefore, it has been classified as a Variant of Uncertain Significance. Algorithms developed to predict the effect of missense changes on protein structure and function output the following: SIFT: "Tolerated"; PolyPhen-2: "Benign"; Align-GVGD: "Class C0". The glutamine amino acid residue is found in multiple mammalian species, suggesting that this missense change does not adversely affect protein function. These predictions have not been confirmed by published functional studies and their clinical significance is uncertain. This variant has not been reported in the literature in individuals with PLOD1-related conditions. This variant is not present in population databases (ExAC no frequency). This sequence change replaces histidine with glutamine at codon 317 of the PLOD1 protein (p.His317Gln). The histidine residue is weakly conserved and there is a small physicochemical difference between histidine and glutamine.

NM_000302.4(PLOD1):c.951C>G (p.His317Gln)

Gene: PLOD1 (procollagen-lysine,2-oxoglutarate 5-dioxygenase 1; plus strand). Cytogenetic location: 1p36.22.
Variant type: single nucleotide variant.
Coding change: c.951C>G on transcript NM_000302.4 (MANE Select); coding-DNA position 951, C replaced by G.
Protein change: p.His317Gln; replaces histidine 317 with glutamine.
Molecular consequence: missense variant.
Genome position (GRCh38, 1-based): chr1:11,958,623, C>G. VCF-style: chr1-11958623-C-G. GRCh37 (hg19) VCF-style: chr1-12018680-C-G.
Other names: c.1092C>G, p.His364Gln (NM_001316320.2); short protein forms H317Q, H364Q.
Identifiers: ClinVar variation 1486753 (VCV001486753.8), dbSNP rs770032875, ClinGen allele CA338434924.